The following is an entry in ClinVar:

NM_001127644.2(GABRA1):c.778C>G (p.Pro260Ala)

Gene: GABRA1 (gamma-aminobutyric acid type A receptor subunit alpha1; plus strand). Cytogenetic location: 5q34.
Variant type: single nucleotide variant.
Coding change: c.778C>G on transcript NM_001127644.2 (MANE Select); coding-DNA position 778, C replaced by G.
Protein change: p.Pro260Ala; replaces proline 260 with alanine.
Molecular consequence: missense variant.
Genome position (GRCh38, 1-based): chr5:161,890,972, C>G. VCF-style: chr5-161890972-C-G. GRCh37 (hg19) VCF-style: chr5-161317978-C-G.
Other names: c.778C>G, p.Pro260Ala (NM_000806.5, NM_001127643.2, NM_001127645.2 and 1 more transcripts); short protein forms P260A.
Identifiers: ClinVar variation 3753872 (VCV003753872.2).
Genomic context (GRCh38, chr5:161,890,972, plus strand): 5'-ATGACCACTCATTTCCACTTGAAGAGAAAGATTGGCTACTTTGTTATTCAAACATACCTG[C>G]CATGCATAATGACAGTGATTCTCTCACAAGTCTCCTTCTGGCTCAACAGAGAGTCTGTAC-3'
Protein context (NP_001121116.1, residues 250-270): IGYFVIQTYL[Pro260Ala]CIMTVILSQV

ClinVar aggregate classification (germline): Pathogenic (1 of 4 stars; one submission).

Conditions:
Epilepsy, idiopathic generalized, susceptibility to, 13. Also called: EPILEPSY, JUVENILE MYOCLONIC, SUSCEPTIBILITY TO, 5. Identifiers: Orphanet 307, Orphanet 64280, MedGen C4013473, MONDO:0012627, OMIM 611136.
Epilepsy, childhood absence 4 (ECA4). Also called: EPILEPSY, CHILDHOOD ABSENCE, SUSCEPTIBILITY TO, 4. Identifiers: Orphanet 307, MedGen C1970160.
Idiopathic generalized epilepsy. Also called: EIG; Generalised epilepsy. Identifiers: MedGen C0270850, MONDO:0005579, OMIM 600669.

Submission:

Labcorp Genetics (formerly Invitae), Labcorp
Classification: Pathogenic for Epilepsy, childhood absence 4; Epilepsy, idiopathic generalized, susceptibility to, 13; Idiopathic generalized epilepsy. Last evaluated: 2024-08-25. Review status: criteria provided, single submitter. Criteria: Invitae Variant Classification Sherloc (09022015). Collection method: clinical testing. Allele origin: germline.
Comment: This sequence change replaces proline, which is neutral and non-polar, with alanine, which is neutral and non-polar, at codon 260 of the GABRA1 protein (p.Pro260Ala). This variant is not present in population databases (gnomAD no frequency). This missense change has been observed in individual(s) with clinical features of epileptic encephalopathy (internal data). In at least one individual the variant was observed to be de novo. Invitae Evidence Modeling of protein sequence and biophysical properties (such as structural, functional, and spatial information, amino acid conservation, physicochemical variation, residue mobility, and thermodynamic stability) indicates that this missense variant is expected to disrupt GABRA1 protein function with a positive predictive value of 95%. This variant disrupts the p.Pro260 amino acid residue in GABRA1. Other variant(s) that disrupt this residue have been determined to be pathogenic (PMID: 26918889, 31056671). This suggests that this residue is clinically significant, and that variants that disrupt this residue are likely to be disease-causing. For these reasons, this variant has been classified as Pathogenic.

Literature cited by the submitters: PubMed 26918889; PubMed 31056671.